The following is an entry in ClinVar:

NM_004415.4(DSP):c.7347GAA[1] (p.Lys2451del)

Gene: DSP (desmoplakin; plus strand). Cytogenetic location: 6p24.3.
Variant type: Microsatellite.
Coding change: c.7347GAA[1] on transcript NM_004415.4 (MANE Select); one copy of the 3-base unit GAA starting at c.7347; the reference has two copies in a row; one copy, 3 bases deleted; also written c.7350_7352del.
Protein change: p.Lys2451del; deletes lysine 2451.
Molecular consequence: inframe deletion.
Genome position (GRCh38, 1-based): chr6:7,584,612-7,584,614, GAA deleted; deleting any 3 consecutive bases within chr6:7,584,607-7,584,614 gives the same sequence; the position shown is the placement nearest the transcript's 3' end. VCF-style (leftmost placement, unchanged base first): chr6-7584606-AAAG-A. GRCh37 (hg19) VCF-style: chr6-7584839-AAAG-A.
Other names: c.7350_7352del (NM_004415.3, NM_004415.4); c.5550GAA[1], p.Lys1852del (NM_001008844.3); c.6018GAA[1], p.Lys2008del (NM_001319034.2); short protein forms K2451del, K2008del, K1852del.
Identifiers: ClinVar variation 519452 (VCV000519452.12), dbSNP rs766860183, ClinGen allele CA049707.

ClinVar aggregate classification (germline): Uncertain significance. Review status: criteria provided, multiple submitters, no conflicts (2 of 4 stars). 6 submissions from 6 submitters: Uncertain significance (6). Last evaluated 2025-03-11.

Conditions:
Arrhythmogenic cardiomyopathy with wooly hair and keratoderma. Also called: PALMOPLANTAR KERATODERMA WITH LEFT VENTRICULAR CARDIOMYOPATHY AND WOOLLY HAIR; Arrhythmogenic cardiomyopathy with woolly hair and keratoderma; Dilated cardiomyopathy with woolly hair and keratoderma; Carvajal syndrome. Identifiers: Orphanet 65282, MedGen C1854063, MONDO:0011581, OMIM 605676.
Arrhythmogenic right ventricular dysplasia 8 (ARVD8). Also called: ARRHYTHMOGENIC RIGHT VENTRICULAR CARDIOMYOPATHY 8; ARRHYTHMOGENIC RIGHT VENTRICULAR DYSPLASIA, FAMILIAL, 8; Arrhythmogenic Right Ventricular Dysplasia/Cardiomyopathy 8. Identifiers: MedGen C1843896, MONDO:0011831, OMIM 607450.
Cardiomyopathy (CMYO). Also called: Cardiomyopathies. Identifiers: Orphanet 167848, MedGen C0878544, MONDO:0004994, HP:0001638. Inheritance: Various modes of inheritance.
Cardiovascular phenotype. Identifiers: MedGen CN230736.
Lethal acantholytic epidermolysis bullosa (EBLA). Identifiers: Orphanet 158687, MedGen C1864826, MONDO:0012323, OMIM 609638.
Keratosis palmoplantaris striata 2. Also called: Keratosis palmoplantaris striata II; KERATODERMA, PALMOPLANTAR, STRIATE FORM II; STRIATE PALMOPLANTAR KERATODERMA II. Identifiers: MedGen C1852127, MONDO:0013034, OMIM 612908.
Woolly hair-skin fragility syndrome (WHSF). Identifiers: Orphanet 293165, MedGen C1843292, MONDO:0957307, OMIM 620415.
Cardiomyopathy, dilated, with wooly hair, keratoderma, and tooth agenesis. Also called: Cardiomyopathy, dilated, with woolly hair, keratoderma, and tooth agenesis; Erythrokeratodermia-cardiomyopathy syndrome. Identifiers: Orphanet 476096, Orphanet 65282, MedGen C4014393, MONDO:0014355, OMIM 615821.

Submissions (6):

Ambry Genetics
Classification: Uncertain significance for Cardiovascular phenotype. Last evaluated: 2025-03-11. Review status: criteria provided, single submitter. Criteria: Ambry Variant Classification Scheme 2023. Collection method: clinical testing. Allele origin: germline.
Comment: The c.7350_7352delGAA variant (also known as p.K2451del) is located in coding exon 24 of the DSP gene. This variant results from an in-frame GAA deletion at nucleotide positions 7350 to 7352. This results in the in-frame deletion of a lysine at codon 2451. This amino acid position is well conserved in available vertebrate species. Based on the available evidence, the clinical significance of this variant remains unclear.

Molecular Diagnostic Laboratory for Inherited Cardiovascular Disease, Montreal Heart Institute
Classification: Uncertain significance for Cardiovascular phenotype. Last evaluated: 2025-02-17. Review status: criteria provided, single submitter. Criteria: ACMG Guidelines, 2015. Collection method: clinical testing. Allele origin: germline. Affected: yes.

Color Diagnostics, LLC DBA Color Health
Classification: Uncertain significance for Cardiomyopathy. Last evaluated: 2024-10-15. Review status: criteria provided, single submitter. Criteria: ACMG Guidelines, 2015. Collection method: clinical testing. Allele origin: germline.
Comment: This variant causes a deletion of lysine at codon 2451 of the DSP protein. To our knowledge, functional studies have not been reported for this variant. This variant has not been reported in individuals affected with DSP-related disorders in the literature. This variant has been identified in 2/251208 chromosomes in the general population by the Genome Aggregation Database (gnomAD). The available evidence is insufficient to determine the role of this variant in disease conclusively. Therefore, this variant is classified as a Variant of Uncertain Significance.

Labcorp Genetics (formerly Invitae), Labcorp
Classification: Uncertain significance for Arrhythmogenic cardiomyopathy with wooly hair and keratoderma; Arrhythmogenic right ventricular dysplasia 8. Last evaluated: 2024-03-23. Review status: criteria provided, single submitter. Criteria: Invitae Variant Classification Sherloc (09022015). Collection method: clinical testing. Allele origin: germline.
Comment: This variant, c.7350_7352del, results in the deletion of 1 amino acid(s) of the DSP protein (p.Lys2451del), but otherwise preserves the integrity of the reading frame. This variant is present in population databases (rs766860183, gnomAD 0.006%). This variant has not been reported in the literature in individuals affected with DSP-related conditions. ClinVar contains an entry for this variant (Variation ID: 519452). Experimental studies and prediction algorithms are not available or were not evaluated, and the functional significance of this variant is currently unknown. In summary, the available evidence is currently insufficient to determine the role of this variant in disease. Therefore, it has been classified as a Variant of Uncertain Significance.

All of Us Research Program, National Institutes of Health
Classification: Uncertain significance for Arrhythmogenic cardiomyopathy with wooly hair and keratoderma. Last evaluated: 2023-05-16. Review status: criteria provided, single submitter. Criteria: ACMG Guidelines, 2015. Collection method: clinical testing. Allele origin: germline. Inheritance: Autosomal dominant inheritance. Observed: 1 variant allele, 1 heterozygote.
Comment: This variant causes a deletion of lysine at codon 2451 of the DSP protein. To our knowledge, functional studies have not been reported for this variant. This variant has not been reported in individuals affected with DSP-related disorders in the literature. This variant has been identified in 2/251208 chromosomes in the general population by the Genome Aggregation Database (gnomAD). The available evidence is insufficient to determine the role of this variant in disease conclusively. Therefore, this variant is classified as a Variant of Uncertain Significance.

This study involves interpretation of variants in research participants for the purpose of population health screening. Participant phenotype was not available at the time of variant classification. Additional details can be found in publication PMID: 35346344, PMCID: PMC8962531

Fulgent Genetics
Classification: Uncertain significance for Arrhythmogenic cardiomyopathy with wooly hair and keratoderma; Arrhythmogenic right ventricular dysplasia 8; Lethal acantholytic epidermolysis bullosa; Keratosis palmoplantaris striata 2; Cardiomyopathy, dilated, with wooly hair, keratoderma, and tooth agenesis. Last evaluated: 2021-08-24. Review status: criteria provided, single submitter. Criteria: ACMG Guidelines, 2015. Collection method: clinical testing. Allele origin: unknown.